The following is an entry in ClinVar:

NM_001048166.1(STIL):c.3434A>G (p.Asn1145Ser)

Gene: STIL (STIL centriolar assembly protein; minus strand). Cytogenetic location: 1p33.
Variant type: single nucleotide variant.
Coding change: c.3434A>G on transcript NM_001048166.1 (MANE Select); coding-DNA position 3434, A replaced by G.
Protein change: p.Asn1145Ser; replaces asparagine 1145 with serine.
Molecular consequence: missense variant.
Genome position (GRCh38, 1-based): chr1:47,251,569, T>C on the plus strand (A>G on the coding strand, the complement: STIL is on the minus strand). VCF-style: chr1-47251569-T-C. GRCh37 (hg19) VCF-style: chr1-47717241-T-C.
Other names: c.3431A>G, p.Asn1144Ser (NM_001282936.1, NM_003035.2); c.3380A>G, p.Asn1127Ser (NM_001282937.1); c.3293A>G, p.Asn1098Ser (NM_001282938.1, NM_001377417.1); c.3239A>G, p.Asn1080Ser (NM_001282939.1); short protein forms N1080S, N1127S, N1144S, N1098S, N1145S.
Identifiers: ClinVar variation 1492390 (VCV001492390.6), dbSNP rs1271368812, ClinGen allele CA340232480.

ClinVar aggregate classification (germline): Uncertain significance (1 of 4 stars; one submission).

Allele frequency attached by ClinVar (database versions not stated): gnomAD 0.00001.

Submission:

Labcorp Genetics (formerly Invitae), Labcorp
Classification: Uncertain significance. Last evaluated: 2024-10-07. Review status: criteria provided, single submitter. Criteria: Invitae Variant Classification Sherloc (09022015). Collection method: clinical testing. Allele origin: germline.
Comment: This sequence change replaces asparagine, which is neutral and polar, with serine, which is neutral and polar, at codon 1144 of the STIL protein (p.Asn1144Ser). This variant is present in population databases (no rsID available, gnomAD 0.007%). This variant has not been reported in the literature in individuals affected with STIL-related conditions. ClinVar contains an entry for this variant (Variation ID: 1492390). Invitae Evidence Modeling of protein sequence and biophysical properties (such as structural, functional, and spatial information, amino acid conservation, physicochemical variation, residue mobility, and thermodynamic stability) indicates that this missense variant is not expected to disrupt STIL protein function with a negative predictive value of 80%. In summary, the available evidence is currently insufficient to determine the role of this variant in disease. Therefore, it has been classified as a Variant of Uncertain Significance.